The following is an entry in ClinVar:

NM_000329.3(RPE65):c.1040G>A (p.Arg347His)

Gene: RPE65 (retinoid isomerohydrolase RPE65; minus strand). Cytogenetic location: 1p31.3.
Variant type: single nucleotide variant.
Coding change: c.1040G>A on transcript NM_000329.3 (MANE Select); coding-DNA position 1040, G replaced by A.
Protein change: p.Arg347His; replaces arginine 347 with histidine.
Molecular consequence: missense variant.
Genome position (GRCh38, 1-based): chr1:68,438,275, C>T on the plus strand (G>A on the coding strand, the complement: RPE65 is on the minus strand). VCF-style: chr1-68438275-C-T. GRCh37 (hg19) VCF-style: chr1-68903958-C-T.
Other names: NM_000329.3(RPE65):c.1040G>A; p.Arg347His; short protein forms R347H.
Identifiers: ClinVar variation 865841 (VCV000865841.13), dbSNP rs562037932, ClinGen allele CA902309.

ClinVar aggregate classification (germline): Likely pathogenic. Review status: reviewed by expert panel (3 of 4 stars). 7 submissions from 7 submitters: Likely pathogenic (1). 6 of the submissions do not count toward it. Last evaluated 2024-12-12.

Conditions:
Leber congenital amaurosis (LCA). Also called: Leber's amaurosis. Identifiers: Orphanet 65, MedGen C0339527, MeSH D057130, MONDO:0018998.
RPE65-related recessive retinopathy. Also called: Recessive RPE65 retinopathy. Identifiers: MedGen CN305526, MONDO:0100368.
Retinitis pigmentosa 20 (RP20). Identifiers: Orphanet 791, MedGen C3151086, MONDO:0013425, OMIM 613794.
Leber congenital amaurosis 2 (LCA2). Also called: Autosomal Recessive RPE65-Related Retinal Degeneration; AMAUROSIS CONGENITA OF LEBER II. Identifiers: Orphanet 65, MedGen C1859844, MONDO:0008765, OMIM 204100. Disease mechanism: loss of function.
RPE65-related disorder. Also called: RPE65-related condition; RPE65-related disorders. Identifiers: MedGen CN239301.

Allele frequency attached by ClinVar (database versions not stated): gnomAD exomes below 0.00001; ExAC 0.00001; TOPMed 0.00002; 1000 Genomes Project 30x 0.00016; 1000 Genomes Project 0.00020.

Submissions (7):

ClinGen Leber Congenital Amaurosis/early Onset Retinal Dystrophy Variant Curation Expert Panel, ClinGen
Classification: Likely pathogenic for RPE65-related recessive retinopathy. Last evaluated: 2024-12-12. Review status: reviewed by expert panel. Criteria: ClinGen LCAeoRD ACMG Specifications RPE65 V1.0.0. Collection method: curation. Allele origin: germline. Inheritance: Autosomal recessive inheritance.
Comment: NM_000329.3(RPE65):c.1040G>A (p.Arg347His) is a missense variant predicted to replace arginine at position 347 with histidine. This variant is present in gnomAD v.4.1.0 at a Grpmax allele frequency of 0.00000365, with 2 / 91062 alleles in the South Asian population, which is lower than the ClinGen LCA/eoRD VCEP PM2_Supporting threshold of <0.0002 (PM2_Supporting). This variant has been reported in 1 proband with early-onset severe retinal dystrophy who was compound heterozygous with the p.Tyr368His variant, confirmed in trans, which was previously classified pathogenic by the ClinGen LCA/eoRD VCEP (1 point, PMID: 35129589). Three other probands with early-onset severe retinal dystrophy were compound heterozygous with three different variants - one with the confirmed pathogenic variant c.95-2A>T, suspected in trans (0.5 pts, PMID:35129589), one with the p.Ala357_Ala360del variant, not yet curated, confirmed in trans (0.25 pts, PMID:3483051), and one with the p.Leu38Arg variant, not yet curated, suspected in trans (0 pts, VCEP member data) (1.75 total points, PM3). At least one proband harboring this variant exhibits a phenotype including congenital night blindness (0.5 pts), diagnosis of fundus albipuncatus with white-yellow dots scattered in mid periphery of retina (2 pts), onset in early childhood (1 pt), OCT examination normal (1 pt), focal areas of hypoautofluorescence (2 pts) at the middle retinal periphery, mild reduction of visual field (1 pt), full field ERG showed scotopic responses below the noise level (0.5 pts), and clinical exome sequencing did not reveal alternative cause of disease (2 pts). Together these are highly specific for RPE65-related recessive retinopathy (total 10 points, PMID: 35129589, PP4_Moderate). Another missense variant in the same codon (c.1039C>T, p.Arg347His) has been classified as likely pathogenic for RPE65-related recessive retinopathy by the ClinGen LCA/eoRD VCEP (PM5_Supporting, PMID: 36017377). In summary, this variant meets the criteria to be classified as Likely Pathogenic for RPE65-related recessive retinopathy based on the ACMG/AMP criteria applied, as specified by the ClinGen LCA/eoRD VCEP:PP4_moderate, PM3, PM2_supporting, PM5_supporting. (VCEP specifications version 1.0.0; date of approval 09/21/2023).

Myriad Genetics, Inc.
Classification: Uncertain significance for RPE65-related recessive retinopathy. Last evaluated: 2026-04-30. Review status: criteria provided, single submitter. Criteria: Myriad Autosomal Dominant, Autosomal Recessive and X-Linked Classification Criteria (2023). Collection method: clinical testing. Allele origin: unknown. Not counted in ClinVar's aggregate classification.
Comment: NM_000329.2(RPE65):c.1040G>A(R347H) is a missense variant classified as a variant of uncertain significance in the context of inherited retinal dystrophy, RPE65-related. R347H has been observed in cases with relevant disease (PMID: 35129589, 34830511). Relevant functional assessments of this variant are not available in the literature. R347H has been observed in referenced population frequency databases. In summary, there is insufficient evidence to classify NM_000329.2(RPE65):c.1040G>A(R347H) as pathogenic or benign. Please note: this variant was assessed in the context of healthy population screening.

Labcorp Genetics (formerly Invitae), Labcorp
Classification: Likely pathogenic for Leber congenital amaurosis 2; Retinitis pigmentosa 20. Last evaluated: 2025-07-21. Review status: criteria provided, single submitter. Criteria: Invitae Variant Classification Sherloc (09022015). Collection method: clinical testing. Allele origin: germline. Not counted in ClinVar's aggregate classification.
Comment: This sequence change replaces arginine, which is basic and polar, with histidine, which is basic and polar, at codon 347 of the RPE65 protein (p.Arg347His). This variant is present in population databases (rs562037932, gnomAD 0.003%). This missense change has been observed in individual(s) with autosomal recessive retinal dystrophy (PMID: 31630094, 35129589, 36460718). In at least one individual the data is consistent with being in trans (on the opposite chromosome) from a pathogenic variant. ClinVar contains an entry for this variant (Variation ID: 865841). Invitae Evidence Modeling of protein sequence and biophysical properties (such as structural, functional, and spatial information, amino acid conservation, physicochemical variation, residue mobility, and thermodynamic stability) indicates that this missense variant is not expected to disrupt RPE65 protein function with a negative predictive value of 80%. This variant disrupts the p.Arg347 amino acid residue in RPE65. Other variant(s) that disrupt this residue have been determined to be pathogenic (PMID: 33952291; internal data). This suggests that this residue is clinically significant, and that variants that disrupt this residue are likely to be disease-causing. In summary, the currently available evidence indicates that the variant is pathogenic, but additional data are needed to prove that conclusively. Therefore, this variant has been classified as Likely Pathogenic.

GeneDx
Classification: Likely pathogenic. Last evaluated: 2025-07-09. Review status: criteria provided, single submitter. Criteria: GeneDx Variant Classification Process June 2021. Collection method: clinical testing. Allele origin: germline. Affected: yes. Not counted in ClinVar's aggregate classification.
Comment: Identified with a second variant in unknown phase in patients with RPE65-related disorders in published literature (PMID: 35129589, 31630094); In silico analysis supports that this missense variant has a deleterious effect on protein structure/function; This variant is associated with the following publications: (PMID: 31981491, 35129589, 31630094, 34830511, 36460718, 32368696, 38213898)

Natera, Inc.
Classification: Likely pathogenic for Leber congenital amaurosis. Last evaluated: 2025-06-06. Review status: criteria provided, single submitter. Criteria: Natera Variant Classification Schema (03/2026). Collection method: clinical testing. Allele origin: germline. Not counted in ClinVar's aggregate classification.
Comment: The c.1040G>A variant in RPE65 is a missense variant predicted to cause substitution of arginine to histidine at amino acid 347. This variant is rare in the general population with a frequency below the threshold expected for the associated phenotype(s). This variant has been observed in one or more individuals affected with the associated recessive disease, as either homozygous or compound heterozygous with a second variant (PMID: 35129589, 34830511). A different variant at the same position has been determined to be Pathogenic or Likely Pathogenic. Given the available evidence, this variant is classified as Likely Pathogenic.

Blueprint Genetics
Classification: Pathogenic for RPE65-related disorders. Last evaluated: 2024-09-08. Review status: criteria provided, single submitter. Criteria: ACMG Guidelines, 2015. Collection method: clinical testing. Allele origin: germline. Affected: yes. Observed: 5 variant alleles. Not counted in ClinVar's aggregate classification.

Baylor Genetics
Classification: Pathogenic for Leber congenital amaurosis 2. Last evaluated: 2024-03-26. Review status: criteria provided, single submitter. Criteria: ACMG Guidelines, 2015. Collection method: clinical testing. Allele origin: unknown. Not counted in ClinVar's aggregate classification.

Literature cited by the submitters: PubMed 34830511 (cited by Myriad Genetics, Inc. and Natera, Inc.); PubMed 35129589 (cited by 3 submitters); PubMed 31630094 (cited by Labcorp Genetics (formerly Invitae), Labcorp); PubMed 36460718 (cited by Labcorp Genetics (formerly Invitae), Labcorp); PubMed 33952291 (cited by Labcorp Genetics (formerly Invitae), Labcorp).